The following is an entry in ClinVar:

NM_005245.4(FAT1):c.13758G>C (p.Thr4586=)

Genes: FAT1 (FAT atypical cadherin 1; minus strand), LOC126807253 (BRD4-independent group 4 enhancer GRCh37_chr4:187509297-187510496; plus strand). Cytogenetic location: 4q35.2.
Variant type: single nucleotide variant.
Coding change: c.13758G>C on transcript NM_005245.4 (MANE Select); coding-DNA position 13758, G replaced by C.
Protein change: p.Thr4586=; no amino-acid change (threonine 4586 retained).
Molecular consequence: synonymous variant.
Genome position (GRCh38, 1-based): chr4:186,588,601, C>G on the plus strand (G>C on the coding strand, the complement: FAT1 is on the minus strand). VCF-style: chr4-186588601-C-G. GRCh37 (hg19) VCF-style: chr4-187509755-C-G.
Other names: c.13758G>C (NM_005245.3).
Identifiers: ClinVar variation 2056721 (VCV002056721.5), dbSNP rs373515547, ClinGen allele CA3164446.

ClinVar aggregate classification (germline): Likely benign. Review status: criteria provided, multiple submitters, no conflicts (2 of 4 stars). 2 submissions from 2 submitters: Likely benign (2). Last evaluated 2026-03-03.

Conditions:
FAT1-related disorder. Also called: FAT1-related condition.

Allele frequency attached by ClinVar (database versions not stated): ExAC 0.00010; ESP Exome Variant Server 0.00016; 1000 Genomes Project 0.00040; 1000 Genomes Project 30x 0.00047.
gnomAD v4.1: 126 of 1,609,860 alleles (0.0078%); highest among the groups gnomAD compares: Middle Eastern, 0.11%; no homozygotes.

Submissions (2):

PreventionGenetics, part of Exact Sciences
Classification: Likely benign for FAT1-related condition. Last evaluated: 2026-03-03. Review status: criteria provided, single submitter. Criteria: ACMG Guidelines, 2015. Collection method: clinical testing. Allele origin: germline.
Comment: This variant is classified as likely benign based on ACMG/AMP sequence variant interpretation guidelines (Richards et al. 2015 PMID: 25741868, with internal and published modifications).

Labcorp Genetics (formerly Invitae), Labcorp
Classification: Likely benign. Last evaluated: 2025-12-02. Review status: criteria provided, single submitter. Criteria: Invitae Variant Classification Sherloc (09022015). Collection method: clinical testing. Allele origin: germline.